The following is an entry in ClinVar:

ClinVar aggregate classification (germline): Uncertain significance. Review status: criteria provided, multiple submitters, no conflicts (2 of 4 stars). 2 submissions from 2 submitters: Uncertain significance (2). Last evaluated 2024-04-18.

Conditions:
Atrial fibrillation, familial, 7 (ATFB7). Identifiers: MedGen C2677106, MONDO:0012828, OMIM 612240.

Allele frequency attached by ClinVar (database versions not stated): gnomAD exomes below 0.00001; TOPMed below 0.00001.

Submissions (2):

Labcorp Genetics (formerly Invitae), Labcorp
Classification: Uncertain significance for Atrial fibrillation, familial, 7. Last evaluated: 2024-04-18. Review status: criteria provided, single submitter. Criteria: Invitae Variant Classification Sherloc (09022015). Collection method: clinical testing. Allele origin: germline.
Comment: This sequence change replaces glycine, which is neutral and non-polar, with arginine, which is basic and polar, at codon 561 of the KCNA5 protein (p.Gly561Arg). This variant is present in population databases (no rsID available, gnomAD 0.0009%). This variant has not been reported in the literature in individuals affected with KCNA5-related conditions. ClinVar contains an entry for this variant (Variation ID: 537309). An algorithm developed to predict the effect of missense changes on protein structure and function (PolyPhen-2) suggests that this variant is likely to be tolerated. In summary, the available evidence is currently insufficient to determine the role of this variant in disease. Therefore, it has been classified as a Variant of Uncertain Significance.

Fulgent Genetics
Classification: Uncertain significance for Atrial fibrillation, familial, 7. Last evaluated: 2021-07-26. Review status: criteria provided, single submitter. Criteria: ACMG Guidelines, 2015. Collection method: clinical testing. Allele origin: unknown.

NM_002234.4(KCNA5):c.1681G>C (p.Gly561Arg)

Gene: KCNA5 (potassium voltage-gated channel subfamily A member 5; plus strand). Cytogenetic location: 12p13.32.
Variant type: single nucleotide variant.
Coding change: c.1681G>C on transcript NM_002234.4 (MANE Select); coding-DNA position 1681, G replaced by C.
Protein change: p.Gly561Arg; replaces glycine 561 with arginine.
Molecular consequence: missense variant.
Genome position (GRCh38, 1-based): chr12:5,045,828, G>C. VCF-style: chr12-5045828-G-C. GRCh37 (hg19) VCF-style: chr12-5154994-G-C.
Other names: short protein forms G561R.
Identifiers: ClinVar variation 537309 (VCV000537309.9), dbSNP rs1440776773, ClinGen allele CA383467000.